The following is an entry in ClinVar:

NM_015474.4(SAMHD1):c.811C>T (p.Gln271Ter)

Gene: SAMHD1 (SAM and HD domain containing deoxynucleoside triphosphate triphosphohydrolase 1; minus strand). Cytogenetic location: 20q11.23.
Variant type: single nucleotide variant.
Coding change: c.811C>T on transcript NM_015474.4 (MANE Select); coding-DNA position 811, C replaced by T.
Protein change: p.Gln271Ter; replaces glutamine 271 with a stop codon.
Molecular consequence: nonsense.
Genome position (GRCh38, 1-based): chr20:36,919,405, G>A on the plus strand (C>T on the coding strand, the complement: SAMHD1 is on the minus strand). VCF-style: chr20-36919405-G-A. GRCh37 (hg19) VCF-style: chr20-35547808-G-A.
Other names: c.811C>T, p.Gln271Ter (NM_001363729.2, NM_001363733.2); short protein forms Q271*.
Identifiers: ClinVar variation 2760548 (VCV002760548.3), dbSNP rs2515247402, ClinGen allele CA408846207.

ClinVar aggregate classification (germline): Pathogenic (1 of 4 stars; one submission).

Conditions:
Aicardi-Goutieres syndrome 5. Identifiers: Orphanet 51, MedGen C2749659, MONDO:0013059, OMIM 612952.

Submission:

Labcorp Genetics (formerly Invitae), Labcorp
Classification: Pathogenic for Aicardi-Goutieres syndrome 5. Last evaluated: 2023-09-13. Review status: criteria provided, single submitter. Criteria: Invitae Variant Classification Sherloc (09022015). Collection method: clinical testing. Allele origin: germline.
Comment: This sequence change creates a premature translational stop signal (p.Gln271*) in the SAMHD1 gene. It is expected to result in an absent or disrupted protein product. Loss-of-function variants in SAMHD1 are known to be pathogenic (PMID: 19525956, 22461318). This variant is not present in population databases (gnomAD no frequency). This variant has not been reported in the literature in individuals affected with SAMHD1-related conditions. For these reasons, this variant has been classified as Pathogenic.

Literature cited by the submitters: PubMed 19525956; PubMed 22461318.